The following is an entry in ClinVar:

NM_001378454.1(ALMS1):c.10704A>C (p.Arg3568Ser)

Gene: ALMS1 (ALMS1 centrosome and basal body associated protein; plus strand). Cytogenetic location: 2p13.1.
Variant type: single nucleotide variant.
Coding change: c.10704A>C on transcript NM_001378454.1 (MANE Select); coding-DNA position 10704, A replaced by C.
Protein change: p.Arg3568Ser; replaces arginine 3568 with serine.
Molecular consequence: missense variant.
Genome position (GRCh38, 1-based): chr2:73,572,581, A>C. VCF-style: chr2-73572581-A-C. GRCh37 (hg19) VCF-style: chr2-73799708-A-C.
Other names: c.10707A>C, p.Arg3569Ser (NM_015120.4); short protein forms R3569S, R3568S.
Identifiers: ClinVar variation 529384 (VCV000529384.13), dbSNP rs758987316, ClinGen allele CA1715045.
Genomic context (GRCh38, chr2:73,572,581, plus strand): 5'-CAGCATCAATGTGAATTTGGGAAACAAAGAAGTGATGGATACTACTAAAAGTCAAGTTAG[A>C]GATTATCCAAAACATAATGGACAAATTAGTGATCCACAAAGGGATCAGAAGGTCACCCCA-3'
Protein context (NP_001365383.1, residues 3558-3578): EVMDTTKSQV[Arg3568Ser]DYPKHNGQIS

ClinVar aggregate classification (germline): Uncertain significance. Review status: criteria provided, multiple submitters, no conflicts (2 of 4 stars). 4 submissions from 4 submitters: Uncertain significance (3). 1 of the submissions does not count toward it. Last evaluated 2024-11-08.

Conditions:
Cardiovascular phenotype. Identifiers: MedGen CN230736.
Alstrom syndrome (ALMS). Identifiers: Orphanet 64, MedGen C0268425, MONDO:0008763, OMIM 203800.

Allele frequency attached by ClinVar (database versions not stated): TOPMed 0.00001; gnomAD exomes 0.00003 and 0.00006; ExAC 0.00005.
gnomAD v4.1: 17 of 1,613,944 alleles (0.0011%); highest among the groups gnomAD compares: Admixed American, 0.028%; no homozygotes.

Submissions (4):

Ambry Genetics
Classification: Uncertain significance for Cardiovascular phenotype. Last evaluated: 2024-11-08. Review status: criteria provided, single submitter. Criteria: Ambry Variant Classification Scheme 2023. Collection method: clinical testing. Allele origin: germline.
Comment: The p.R3569S variant (also known as c.10707A>C), located in coding exon 16 of the ALMS1 gene, results from an A to C substitution at nucleotide position 10707. The arginine at codon 3569 is replaced by serine, an amino acid with dissimilar properties. This amino acid position is not well conserved in available vertebrate species. In addition, this alteration is predicted to be tolerated by in silico analysis. Based on the available evidence, the clinical significance of this variant remains unclear.

Labcorp Genetics (formerly Invitae), Labcorp
Classification: Uncertain significance for Alstrom syndrome. Last evaluated: 2022-09-01. Review status: criteria provided, single submitter. Criteria: Invitae Variant Classification Sherloc (09022015). Collection method: clinical testing. Allele origin: germline.
Comment: This sequence change replaces arginine, which is basic and polar, with serine, which is neutral and polar, at codon 3569 of the ALMS1 protein (p.Arg3569Ser). This variant is present in population databases (rs758987316, gnomAD 0.05%). This variant has not been reported in the literature in individuals affected with ALMS1-related conditions. ClinVar contains an entry for this variant (Variation ID: 529384). In summary, the available evidence is currently insufficient to determine the role of this variant in disease. Therefore, it has been classified as a Variant of Uncertain Significance.

Fulgent Genetics
Classification: Uncertain significance for Alstrom syndrome. Last evaluated: 2022-04-14. Review status: criteria provided, single submitter. Criteria: ACMG Guidelines, 2015. Collection method: clinical testing. Allele origin: unknown.

Natera, Inc.
Classification: Uncertain significance for Alstrom syndrome. Last evaluated: 2021-01-19. Review status: no assertion criteria provided. Collection method: clinical testing. Allele origin: germline. Not counted in ClinVar's aggregate classification.